The following is an entry in ClinVar:

ClinVar aggregate classification (germline): Uncertain significance. Review status: criteria provided, single submitter (1 of 4 stars). 2 submissions from 2 submitters: Uncertain significance (1). 1 of the submissions does not count toward it. Last evaluated 2022-04-20.

Conditions:
Muscular dystrophy, limb-girdle, autosomal recessive 27. Identifiers: MedGen C5562002, MONDO:0030456, OMIM 619566.

Allele frequency attached by ClinVar (database versions not stated): gnomAD exomes below 0.00001.
gnomAD v4.1: 2 of 1,605,504 alleles (0.00012%); highest among the groups gnomAD compares: African/African-American, 0.0013%; no homozygotes.

Submissions (2):

SIB Swiss Institute of Bioinformatics
Classification: Uncertain significance for Muscular dystrophy, limb-girdle, autosomal recessive 27. Last evaluated: 2022-04-20. Review status: criteria provided, single submitter. Criteria: ACMG Guidelines, 2015. Collection method: curation. Allele origin: unknown.
Comment: This variant is interpreted as a variant of uncertain significance for Muscular dystrophy, limb-girdle, autosomal recessive 27. The following ACMG Tag(s) were applied: Absent from controls (or at extremely low frequency if recessive) in Exome Sequencing Project, 1000 Genomes Project, or Exome Aggregation Consortium (PM2); Multiple lines of computational evidence support a deleterious effect on the gene or gene product (PP3).

OMIM
Classification: Pathogenic for MUSCULAR DYSTROPHY, LIMB-GIRDLE, AUTOSOMAL RECESSIVE 27. Last evaluated: 2021-10-19. Review status: no assertion criteria provided. Collection method: literature only. Allele origin: germline. Not counted in ClinVar's aggregate classification.

Literature cited by the submitters: PubMed 33861953 (cited by SIB Swiss Institute of Bioinformatics and OMIM).

NM_002226.5(JAG2):c.490G>A (p.Glu164Lys)

Gene: JAG2 (jagged canonical Notch ligand 2; minus strand). Cytogenetic location: 14q32.33.
Variant type: single nucleotide variant.
Coding change: c.490G>A on transcript NM_002226.5 (MANE Select); coding-DNA position 490, G replaced by A.
Protein change: p.Glu164Lys; replaces glutamic acid 164 with lysine.
Molecular consequence: missense variant.
Genome position (GRCh38, 1-based): chr14:105,155,975, C>T on the plus strand (G>A on the coding strand, the complement: JAG2 is on the minus strand). VCF-style: chr14-105155975-C-T. GRCh37 (hg19) VCF-style: chr14-105622312-C-T.
Other names: c.490G>A, p.Glu164Lys (NM_145159.3); short protein forms E164K.
Identifiers: ClinVar variation 1300191 (VCV001300191.2), dbSNP rs1888570315, ClinGen allele CA391276684.